The following is an entry in ClinVar:

ClinVar aggregate classification (germline): Uncertain significance (1 of 4 stars; one submission).

Conditions:
Severe combined immunodeficiency due to DNA-PKcs deficiency. Also called: IMMUNODEFICIENCY 26 WITH NEUROLOGIC ABNORMALITIES; Immunodeficiency 26 with or without neurologic abnormalities. Identifiers: Orphanet 317425, MedGen C4014833, MONDO:0014423, OMIM 615966.

Submission:

Labcorp Genetics (formerly Invitae), Labcorp
Classification: Uncertain significance for Severe combined immunodeficiency due to DNA-PKcs deficiency. Last evaluated: 2024-05-20. Review status: criteria provided, single submitter. Criteria: Invitae Variant Classification Sherloc (09022015). Collection method: clinical testing. Allele origin: germline.
Comment: This sequence change replaces methionine, which is neutral and non-polar, with leucine, which is neutral and non-polar, at codon 238 of the PRKDC protein (p.Met238Leu). This variant is not present in population databases (gnomAD no frequency). This variant has not been reported in the literature in individuals affected with PRKDC-related conditions. ClinVar contains an entry for this variant (Variation ID: 2055963). Advanced modeling of protein sequence and biophysical properties (such as structural, functional, and spatial information, amino acid conservation, physicochemical variation, residue mobility, and thermodynamic stability) has been performed at Invitae for this missense variant, however the output from this modeling did not meet the statistical confidence thresholds required to predict the impact of this variant on PRKDC protein function. In summary, the available evidence is currently insufficient to determine the role of this variant in disease. Therefore, it has been classified as a Variant of Uncertain Significance.

NM_006904.7(PRKDC):c.712A>C (p.Met238Leu)

Gene: PRKDC (protein kinase, DNA-activated, catalytic subunit; minus strand). Cytogenetic location: 8q11.21.
Variant type: single nucleotide variant.
Coding change: c.712A>C on transcript NM_006904.7 (MANE Select); coding-DNA position 712, A replaced by C.
Protein change: p.Met238Leu; replaces methionine 238 with leucine.
Molecular consequence: missense variant.
Genome position (GRCh38, 1-based): chr8:47,953,629, T>G on the plus strand (A>C on the coding strand, the complement: PRKDC is on the minus strand). VCF-style: chr8-47953629-T-G. GRCh37 (hg19) VCF-style: chr8-48866189-T-G.
Other names: c.712A>C, p.Met238Leu (NM_001081640.2); short protein forms M238L.
Identifiers: ClinVar variation 2055963 (VCV002055963.4), dbSNP rs546088914, ClinGen allele CA371138148.